The following is an entry in ClinVar:

NM_001166114.2(PNPLA6):c.1398C>T (p.Gly466=)

Gene: PNPLA6 (patatin like domain 6, lysophospholipase; plus strand). Cytogenetic location: 19p13.2.
Variant type: single nucleotide variant.
Coding change: c.1398C>T on transcript NM_001166114.2 (MANE Select); coding-DNA position 1398, C replaced by T.
Protein change: p.Gly466=; no amino-acid change (glycine 466 retained).
Molecular consequence: synonymous variant.
Genome position (GRCh38, 1-based): chr19:7,542,796, C>T. VCF-style: chr19-7542796-C-T. GRCh37 (hg19) VCF-style: chr19-7607682-C-T.
Other names: c.1425C>T (NM_001166111.1); c.1425C>T, p.Gly475= (NM_001166111.2); c.1281C>T, p.Gly427= (NM_001166112.2, NM_001166113.1, NM_006702.5).
Identifiers: ClinVar variation 698234 (VCV000698234.14), dbSNP rs146463717, ClinGen allele CA9139808.

ClinVar aggregate classification (germline): Benign/Likely benign. Review status: criteria provided, multiple submitters, no conflicts (2 of 4 stars). 3 submissions from 3 submitters: Benign (1); Likely benign (1). 1 of the submissions does not count toward it. Last evaluated 2026-01-19.

Conditions:
PNPLA6-related disorder. Also called: PNPLA6-related disorders; PNPLA6-related condition.
Hereditary spastic paraplegia 39 (SPG39). Also called: Spastic Paraplegia Type 39 (SPG39); SPASTIC PARAPLEGIA 39, AUTOSOMAL RECESSIVE. Identifiers: Orphanet 139480, MedGen C2677586, MONDO:0012787, OMIM 612020.

Allele frequency attached by ClinVar (database versions not stated): ESP Exome Variant Server 0.00008; gnomAD exomes 0.00011 and 0.00053; gnomAD 0.00013 and 0.00014; 1000 Genomes Project 0.00020; TOPMed 0.00025; 1000 Genomes Project 30x 0.00031; ExAC 0.00045.
gnomAD v4.1: 178 of 1,613,064 alleles (0.011%); highest among the groups gnomAD compares: Admixed American, 0.25%; no homozygotes.

Submissions (3):

Labcorp Genetics (formerly Invitae), Labcorp
Classification: Benign for Hereditary spastic paraplegia 39. Last evaluated: 2026-01-19. Review status: criteria provided, single submitter. Criteria: Invitae Variant Classification Sherloc (09022015). Collection method: clinical testing. Allele origin: germline.

Blueprint Genetics
Classification: Likely benign. Last evaluated: 2023-12-18. Review status: criteria provided, single submitter. Criteria: ACMG Guidelines, 2015. Collection method: clinical testing. Allele origin: germline.

PreventionGenetics, part of Exact Sciences
Classification: Likely benign for PNPLA6-related condition. Last evaluated: 2019-10-17. Review status: no assertion criteria provided. Collection method: clinical testing. Allele origin: germline. Not counted in ClinVar's aggregate classification.
Comment: This variant is classified as likely benign based on ACMG/AMP sequence variant interpretation guidelines (Richards et al. 2015 PMID: 25741868, with internal and published modifications).